The following is an entry in ClinVar:

ClinVar aggregate classification (germline): Pathogenic. Review status: criteria provided, multiple submitters, no conflicts (2 of 4 stars). 2 submissions from 2 submitters: Pathogenic (2). Last evaluated 2025-12-28.

Conditions:
Hereditary cancer-predisposing syndrome. Also called: Tumor predisposition; Hereditary neoplastic syndrome; Hereditary Cancer Syndrome; Neoplastic Syndromes, Hereditary. Identifiers: Orphanet 140162, MedGen C0027672, MeSH D009386, MONDO:0015356.
Familial adenomatous polyposis 2. Also called: COLORECTAL ADENOMATOUS POLYPOSIS, AUTOSOMAL RECESSIVE; ADENOMAS, MULTIPLE COLORECTAL, AUTOSOMAL RECESSIVE; MUTYH-related attenuated familial adenomatous polyposis; MUTYH-associated polyposis; MYH-associated polyposis; MUTYH Polyposis. Identifiers: Orphanet 220460, Orphanet 247798, MedGen C3272841, MONDO:0012041, OMIM 608456.

Submissions (2):

Labcorp Genetics (formerly Invitae), Labcorp
Classification: Pathogenic for Familial adenomatous polyposis 2. Last evaluated: 2025-12-28. Review status: criteria provided, single submitter. Criteria: Invitae Variant Classification Sherloc (09022015). Collection method: clinical testing. Allele origin: germline.
Comment: This sequence change creates a premature translational stop signal (p.Gln71*) in the MUTYH gene. It is expected to result in an absent or disrupted protein product. Loss-of-function variants in MUTYH are known to be pathogenic (PMID: 18534194, 20663686). This variant is not present in population databases (gnomAD no frequency). This variant has not been reported in the literature in individuals affected with MUTYH-related conditions. ClinVar contains an entry for this variant (Variation ID: 2886235). For these reasons, this variant has been classified as Pathogenic.

Ambry Genetics
Classification: Pathogenic for Hereditary cancer-predisposing syndrome. Last evaluated: 2025-08-04. Review status: criteria provided, single submitter. Criteria: Ambry Variant Classification Scheme 2023. Collection method: clinical testing. Allele origin: germline.
Comment: The p.Q71* pathogenic mutation (also known as c.211C>T), located in coding exon 3 of the MUTYH gene, results from a C to T substitution at nucleotide position 211. This changes the amino acid from a glutamine to a stop codon within coding exon 3. This variant is considered to be rare based on population cohorts in the Genome Aggregation Database (gnomAD). This alteration is expected to result in loss of function by premature protein truncation or nonsense-mediated mRNA decay. As such, this alteration is interpreted as a disease-causing mutation.

Literature cited by the submitters: PubMed 18534194 (cited by Labcorp Genetics (formerly Invitae), Labcorp); PubMed 20663686 (cited by Labcorp Genetics (formerly Invitae), Labcorp).

NM_001048174.2(MUTYH):c.127C>T (p.Gln43Ter)

Gene: MUTYH (mutY DNA glycosylase; minus strand). Cytogenetic location: 1p34.1.
Variant type: single nucleotide variant.
Coding change: c.127C>T on transcript NM_001048174.2 (MANE Select); coding-DNA position 127, C replaced by T.
Protein change: p.Gln43Ter; replaces glutamine 43 with a stop codon.
Molecular consequence: nonsense. On other transcripts: 5 prime UTR variant (1), non-coding transcript variant (5), intron variant (5).
Genome position (GRCh38, 1-based): chr1:45,333,550, G>A on the plus strand (C>T on the coding strand, the complement: MUTYH is on the minus strand). VCF-style: chr1-45333550-G-A. GRCh37 (hg19) VCF-style: chr1-45799222-G-A.
Other names: c.127C>T, p.Gln43Ter (NM_001048171.2, NM_001048173.2, NM_001293195.2 and 6 more transcripts); c.130C>T, p.Gln44Ter (NM_001048172.2, NM_001407071.1, NM_001407078.1 and 2 more transcripts); c.211C>T, p.Gln71Ter (NM_001128425.2); c.172C>T, p.Gln58Ter (NM_001293190.2); c.160C>T, p.Gln54Ter (NM_001293191.2, NM_001407077.1); c.-145C>T (NM_001350650.2); c.202C>T, p.Gln68Ter (NM_001407069.1, NM_012222.3); c.-92-53C>T (NM_001350651.2, NM_001407082.1); and 4 more; short protein forms Q15*, Q44*, Q58*, Q71*, Q50*, Q54*, Q43*, Q57*.
Identifiers: ClinVar variation 2886235 (VCV002886235.4), dbSNP rs2149175937, ClinGen allele CA340136672.